The following is an entry in ClinVar:

ClinVar aggregate classification (germline): Likely pathogenic (1 of 4 stars; one submission).

Conditions:
Late-infantile neuronal ceroid lipofuscinosis. Also called: Jansky-Bielschowsky disease. Identifiers: MedGen C0022340, MONDO:0015674.

Submission:

Natera, Inc.
Classification: Likely pathogenic for Late-infantile neuronal ceroid lipofuscinosis. Last evaluated: 2025-04-28. Review status: criteria provided, single submitter. Criteria: Natera Variant Classification Schema (03/2026). Collection method: clinical testing. Allele origin: germline.
Comment: The c.56del variant in MFSD8 is a frameshift variant predicted to shift the reading frame beginning at codon 19 and leads to a stop codon 8 codons downstream. This variant is expected to result in nonsense mediated decay, truncation, or a dysfunctional protein product. This variant is rare in the general population with a frequency below the threshold expected for the associated phenotype(s). Given the available evidence, this variant is classified as Likely Pathogenic.

NM_001371596.2(MFSD8):c.56del (p.Gly19fs)

Gene: MFSD8 (major facilitator superfamily domain containing 8; minus strand). Cytogenetic location: 4q28.2.
Variant type: Deletion.
Coding change: c.56del on transcript NM_001371596.2 (MANE Select); coding-DNA position 56, one base deleted (G; older notation c.56delG).
Protein change: p.Gly19fs; shifts the reading frame from glycine 19.
Molecular consequence: frameshift variant. On other transcripts: 5 prime UTR variant (1), intron variant (2).
Genome position (GRCh38, 1-based): chr4:127,965,078, C deleted on the plus strand (G on the coding strand, the reverse complement: MFSD8 is on the minus strand); the first of 2 consecutive C bases (chr4:127,965,078-127,965,079); deleting either gives the same sequence. VCF-style (leftmost placement, unchanged base first): chr4-127965077-TC-T. GRCh37 (hg19) VCF-style: chr4-128886232-TC-T.
Other names: c.56del, p.Gly19fs (NM_001363520.3, NM_001363521.3, NM_001371591.2 and 5 more transcripts); c.-78del (NM_001371595.1); c.-74+819del (NM_001410765.1, NM_001371590.2); short protein forms G19fs.
Identifiers: ClinVar variation 4057682 (VCV004057682.2).